The following is an entry in ClinVar:

ClinVar aggregate classification (germline): Uncertain significance (1 of 4 stars; one submission).

Allele frequency attached by ClinVar (database versions not stated): gnomAD 0.00001; TOPMed 0.00001.

Submission:

Labcorp Genetics (formerly Invitae), Labcorp
Classification: Uncertain significance. Last evaluated: 2023-07-21. Review status: criteria provided, single submitter. Criteria: Invitae Variant Classification Sherloc (09022015). Collection method: clinical testing. Allele origin: germline.
Comment: This sequence change replaces serine, which is neutral and polar, with asparagine, which is neutral and polar, at codon 272 of the IRF2BP2 protein (p.Ser272Asn). This variant is not present in population databases (gnomAD no frequency). This variant has not been reported in the literature in individuals affected with IRF2BP2-related conditions. An algorithm developed to predict the effect of missense changes on protein structure and function (PolyPhen-2) suggests that this variant is likely to be tolerated. In summary, the available evidence is currently insufficient to determine the role of this variant in disease. Therefore, it has been classified as a Variant of Uncertain Significance.

NM_182972.3(IRF2BP2):c.815G>A (p.Ser272Asn)

Gene: IRF2BP2 (interferon regulatory factor 2 binding protein 2; minus strand). Cytogenetic location: 1q42.3.
Variant type: single nucleotide variant.
Coding change: c.815G>A on transcript NM_182972.3 (MANE Select); coding-DNA position 815, G replaced by A.
Protein change: p.Ser272Asn; replaces serine 272 with asparagine.
Molecular consequence: missense variant.
Genome position (GRCh38, 1-based): chr1:234,608,680, C>T on the plus strand (G>A on the coding strand, the complement: IRF2BP2 is on the minus strand). VCF-style: chr1-234608680-C-T. GRCh37 (hg19) VCF-style: chr1-234744426-C-T.
Other names: c.815G>A, p.Ser272Asn (NM_001077397.1); short protein forms S272N.
Identifiers: ClinVar variation 2783485 (VCV002783485.3), dbSNP rs781552801, ClinGen allele CA1461770.